The following is an entry in ClinVar:

NM_134261.3(RORA):c.710A>T (p.Asn237Ile)

Genes: RORA (RAR related orphan receptor A; minus strand), RORA-AS1 (RORA antisense RNA 1; plus strand). Cytogenetic location: 15q22.2.
Variant type: single nucleotide variant.
Coding change: c.710A>T on transcript NM_134261.3 (MANE Select); coding-DNA position 710, A replaced by T.
Protein change: p.Asn237Ile; replaces asparagine 237 with isoleucine.
Molecular consequence: missense variant.
Genome position (GRCh38, 1-based): chr15:60,511,336, T>A on the plus strand (A>T on the coding strand, the complement: RORA is on the minus strand). VCF-style: chr15-60511336-T-A. GRCh37 (hg19) VCF-style: chr15-60803535-T-A.
Other names: c.545A>T, p.Asn182Ile (NM_134262.3); c.785A>T, p.Asn262Ile (NM_002943.4); c.809A>T, p.Asn270Ile (NM_134260.3); short protein forms N182I, N237I, N262I, N270I.
Identifiers: ClinVar variation 4687022 (VCV004687022.2).

ClinVar aggregate classification (germline): Uncertain significance (1 of 4 stars; one submission).

Submission:

GeneDx
Classification: Uncertain significance. Last evaluated: 2026-03-17. Review status: criteria provided, single submitter. Criteria: GeneDx Variant Classification Process June 2021. Collection method: clinical testing. Allele origin: germline.
Comment: Not observed at significant frequency in large population cohorts (gnomAD); In silico analysis suggests that this missense variant does not alter protein structure/function; Has not been previously published as pathogenic or benign to our knowledge